The following is an entry in ClinVar:

ClinVar aggregate classification (germline): Uncertain significance (1 of 4 stars; one submission).

Submission:

Labcorp Genetics (formerly Invitae), Labcorp
Classification: Uncertain significance. Last evaluated: 2022-07-14. Review status: criteria provided, single submitter. Criteria: Invitae Variant Classification Sherloc (09022015). Collection method: clinical testing. Allele origin: germline.
Comment: In summary, the available evidence is currently insufficient to determine the role of this variant in disease. Therefore, it has been classified as a Variant of Uncertain Significance. Algorithms developed to predict the effect of missense changes on protein structure and function are either unavailable or do not agree on the potential impact of this missense change (SIFT: "Deleterious"; PolyPhen-2: "Probably Damaging"; Align-GVGD: "Class C0"). This variant has not been reported in the literature in individuals affected with SCN3A-related conditions. This variant is not present in population databases (gnomAD no frequency). This sequence change replaces arginine, which is basic and polar, with glycine, which is neutral and non-polar, at codon 704 of the SCN3A protein (p.Arg704Gly).

NM_006922.4(SCN3A):c.2110A>G (p.Arg704Gly)

Gene: SCN3A (sodium voltage-gated channel alpha subunit 3; minus strand). Cytogenetic location: 2q24.3.
Variant type: single nucleotide variant.
Coding change: c.2110A>G on transcript NM_006922.4 (MANE Select); coding-DNA position 2110, A replaced by G.
Protein change: p.Arg704Gly; replaces arginine 704 with glycine.
Molecular consequence: missense variant.
Genome position (GRCh38, 1-based): chr2:165,139,518, T>C on the plus strand (A>G on the coding strand, the complement: SCN3A is on the minus strand). VCF-style: chr2-165139518-T-C. GRCh37 (hg19) VCF-style: chr2-165996028-T-C.
Other names: c.1963A>G, p.Arg655Gly (NM_001081676.2, NM_001081677.2); short protein forms R704G, R655G.
Identifiers: ClinVar variation 2016959 (VCV002016959.4), dbSNP rs1553527457, ClinGen allele CA349045594.
Genomic context (GRCh38, chr2:165,139,518, plus strand): 5'-CCATGACCTGCTTCTTACCTTCCATTGTGTTGGTCAGAATGCTGGCTATGCTCACGGCTC[T>C]TTGCCTTCCAGAGGAATCCTCCAGCATCTCCATTGAAATCTGGTAAGAGCTTAACCTTCT-3'
Protein context (NP_008853.3, residues 694-714): EMLEDSSGRQ[Arg704Gly]AVSIASILTN